The following is an entry in ClinVar:

NM_004656.4(BAP1):c.1513_1514del (p.Ser505fs)

Gene: BAP1 (BRCA1 associated deubiquitinase 1; minus strand). Cytogenetic location: 3p21.1.
Variant type: Deletion.
Coding change: c.1513_1514del on transcript NM_004656.4 (MANE Select); coding-DNA positions 1513 to 1514, 2 bases deleted (TC; older notation c.1513_1514delTC).
Protein change: p.Ser505fs; shifts the reading frame from serine 505.
Molecular consequence: frameshift variant.
Genome position (GRCh38, 1-based): chr3:52,403,631-52,403,632, GA deleted on the plus strand (TC on the coding strand, the reverse complement: BAP1 is on the minus strand); deleting any 2 consecutive bases within chr3:52,403,631-52,403,633 gives the same sequence; the c. name uses the placement nearest the transcript's 3' end. VCF-style (leftmost placement, unchanged base first): chr3-52403630-CGA-C. GRCh37 (hg19) VCF-style: chr3-52437646-CGA-C.
Other names: short protein forms S505fs.
Identifiers: ClinVar variation 819430 (VCV000819430.4), dbSNP rs1578220681, ClinGen allele CA915942470.

ClinVar aggregate classification (germline): Pathogenic (1 of 4 stars; one submission).

Conditions:
Hereditary cancer-predisposing syndrome. Also called: Tumor predisposition; Hereditary neoplastic syndrome; Neoplastic Syndromes, Hereditary; Hereditary Cancer Syndrome. Identifiers: Orphanet 140162, MedGen C0027672, MeSH D009386, MONDO:0015356.

Submission:

Ambry Genetics
Classification: Pathogenic for Hereditary cancer-predisposing syndrome. Last evaluated: 2019-11-01. Review status: criteria provided, single submitter. Criteria: Ambry Variant Classification Scheme 2023. Collection method: clinical testing. Allele origin: germline.
Comment: The c.1513_1514delTC pathogenic mutation, located in coding exon 13 of the BAP1 gene, results from a deletion of two nucleotides at nucleotide positions 1513 to 1514, causing a translational frameshift with a predicted alternate stop codon (p.S505Afs*31). This alteration is expected to result in loss of function by premature protein truncation or nonsense-mediated mRNA decay. As such, this alteration is interpreted as a disease-causing mutation.